The following is an entry in ClinVar:

ClinVar aggregate classification (germline): Uncertain significance (1 of 4 stars; one submission).

Submission:

Labcorp Genetics (formerly Invitae), Labcorp
Classification: Uncertain significance. Last evaluated: 2020-11-10. Review status: criteria provided, single submitter. Criteria: Invitae Variant Classification Sherloc (09022015). Collection method: clinical testing. Allele origin: germline.
Comment: In summary, the available evidence is currently insufficient to determine the role of this variant in disease. Therefore, it has been classified as a Variant of Uncertain Significance. Algorithms developed to predict the effect of missense changes on protein structure and function are either unavailable or do not agree on the potential impact of this missense change (SIFT: "Deleterious"; PolyPhen-2: "Benign"; Align-GVGD: "Class C0"). This variant has not been reported in the literature in individuals with CACNA1F-related conditions. This variant is not present in population databases (ExAC no frequency). This sequence change replaces isoleucine with phenylalanine at codon 169 of the CACNA1F protein (p.Ile169Phe). The isoleucine residue is moderately conserved and there is a small physicochemical difference between isoleucine and phenylalanine.

NM_001256789.3(CACNA1F):c.505A>T (p.Ile169Phe)

Gene: CACNA1F (calcium voltage-gated channel subunit alpha1 F; minus strand). Cytogenetic location: Xp11.23.
Variant type: single nucleotide variant.
Coding change: c.505A>T on transcript NM_001256789.3 (MANE Select); coding-DNA position 505, A replaced by T.
Protein change: p.Ile169Phe; replaces isoleucine 169 with phenylalanine.
Molecular consequence: missense variant.
Genome position (GRCh38, 1-based): chrX:49,230,866, T>A on the plus strand (A>T on the coding strand, the complement: CACNA1F is on the minus strand). VCF-style: chrX-49230866-T-A. GRCh37 (hg19) VCF-style: chrX-49087328-T-A.
Other names: c.310A>T, p.Ile104Phe (NM_001256790.3); c.505A>T, p.Ile169Phe (NM_005183.4); short protein forms I169F, I104F.
Identifiers: ClinVar variation 1345428 (VCV001345428.8), dbSNP rs2147924897, ClinGen allele CA412925799.